The following is an entry in ClinVar:

ClinVar aggregate classification (germline): Uncertain significance (1 of 4 stars; one submission).

Conditions:
Succinate-semialdehyde dehydrogenase deficiency (SSADHD). Also called: Succinic Semialdehyde Dehydrogenase Deficiency; SSADH DEFICIENCY; 4-HYDROXYBUTYRIC ACIDURIA; GABA METABOLIC DEFECT. Identifiers: Orphanet 22, MedGen C0268631, MONDO:0010083, OMIM 271980.

Allele frequency attached by ClinVar (database versions not stated): gnomAD exomes below 0.00001 and 0.00001; ExAC 0.00001; gnomAD 0.00001; TOPMed 0.00001.
gnomAD v4.1: 10 of 1,607,640 alleles (0.00062%); highest among the groups gnomAD compares: Non-Finnish European, 0.00085%; no homozygotes.

Submission:

Labcorp Genetics (formerly Invitae), Labcorp
Classification: Uncertain significance for Succinate-semialdehyde dehydrogenase deficiency. Last evaluated: 2022-06-14. Review status: criteria provided, single submitter. Criteria: Invitae Variant Classification Sherloc (09022015). Collection method: clinical testing. Allele origin: germline.
Comment: Algorithms developed to predict the effect of missense changes on protein structure and function are either unavailable or do not agree on the potential impact of this missense change (SIFT: "Deleterious"; PolyPhen-2: "Possibly Damaging"; Align-GVGD: "Class C0"). In summary, the available evidence is currently insufficient to determine the role of this variant in disease. Therefore, it has been classified as a Variant of Uncertain Significance. This variant has not been reported in the literature in individuals affected with ALDH5A1-related conditions. This variant is present in population databases (rs763173446, gnomAD no frequency). This sequence change replaces glutamic acid, which is acidic and polar, with lysine, which is basic and polar, at codon 119 of the ALDH5A1 protein (p.Glu119Lys).

NM_001080.3(ALDH5A1):c.355G>A (p.Glu119Lys)

Gene: ALDH5A1 (aldehyde dehydrogenase 5 family member A1; plus strand). Cytogenetic location: 6p22.3.
Variant type: single nucleotide variant.
Coding change: c.355G>A on transcript NM_001080.3 (MANE Select); coding-DNA position 355, G replaced by A.
Protein change: p.Glu119Lys; replaces glutamic acid 119 with lysine.
Molecular consequence: missense variant.
Genome position (GRCh38, 1-based): chr6:24,502,523, G>A. VCF-style: chr6-24502523-G-A. GRCh37 (hg19) VCF-style: chr6-24502751-G-A.
Other names: c.355G>A, p.Glu119Lys (NM_001368954.1, NM_170740.1); short protein forms E119K.
Identifiers: ClinVar variation 1396312 (VCV001396312.4), dbSNP rs763173446, ClinGen allele CA3656600.